The following is an entry in ClinVar:

NM_001458.5(FLNC):c.8168A>G (p.Lys2723Arg)

Genes: FLNC (filamin C; plus strand), FLNC-AS1 (FLNC antisense RNA 1; minus strand). Cytogenetic location: 7q32.1.
Variant type: single nucleotide variant.
Coding change: c.8168A>G on transcript NM_001458.5 (MANE Select); coding-DNA position 8168, A replaced by G.
Protein change: p.Lys2723Arg; replaces lysine 2723 with arginine.
Molecular consequence: missense variant.
Genome position (GRCh38, 1-based): chr7:128,858,513, A>G. VCF-style: chr7-128858513-A-G. GRCh37 (hg19) VCF-style: chr7-128498567-A-G.
Other names: c.8069A>G, p.Lys2690Arg (NM_001127487.2); short protein forms K2690R, K2723R.
Identifiers: ClinVar variation 4871470 (VCV004871470.1).

ClinVar aggregate classification (germline): Uncertain significance (1 of 4 stars; one submission).

Conditions:
Cardiovascular phenotype. Identifiers: MedGen CN230736.

gnomAD v4.1: 1 of 1,613,258 alleles (0.000062%); highest among the groups gnomAD compares: Non-Finnish European, 0.000085%; no homozygotes.

Submission:

Ambry Genetics
Classification: Uncertain significance for Cardiovascular phenotype. Last evaluated: 2026-05-28. Review status: criteria provided, single submitter. Criteria: Ambry Variant Classification Scheme 2023. Collection method: clinical testing. Allele origin: germline.
Comment: The p.K2723R variant (also known as c.8168A>G), located in coding exon 48 of the FLNC gene, results from an A to G substitution at nucleotide position 8168. The lysine at codon 2723 is replaced by arginine, an amino acid with highly similar properties. This amino acid position is conserved. In addition, this alteration is predicted to be tolerated by in silico analysis. Based on the available evidence, the clinical significance of this variant remains unclear.